The following is an entry in ClinVar:

ClinVar aggregate classification (germline): Uncertain significance (1 of 4 stars; one submission).

Conditions:
Cardiovascular phenotype. Identifiers: MedGen CN230736.
Hereditary cancer-predisposing syndrome. Also called: Neoplastic Syndromes, Hereditary; Tumor predisposition; Hereditary Cancer Syndrome; Hereditary neoplastic syndrome. Identifiers: Orphanet 140162, MedGen C0027672, MeSH D009386, MONDO:0015356.

Submission:

Ambry Genetics
Classification: Uncertain significance for Cardiovascular phenotype; Hereditary cancer-predisposing syndrome. Last evaluated: 2025-12-01. Review status: criteria provided, single submitter. Criteria: Ambry Variant Classification Scheme 2023. Collection method: clinical testing. Allele origin: germline.
Comment: The p.S144F variant (also known as c.431C>T), located in coding exon 5 of the LZTR1 gene, results from a C to T substitution at nucleotide position 431. The serine at codon 144 is replaced by phenylalanine, an amino acid with highly dissimilar properties. This amino acid position is highly conserved in available vertebrate species. In addition, the in silico prediction for this alteration is inconclusive. Based on the available evidence, the clinical significance of this variant remains unclear.

NM_006767.4(LZTR1):c.431C>T (p.Ser144Phe)

Gene: LZTR1 (leucine zipper like post translational regulator 1; plus strand). Cytogenetic location: 22q11.21.
Variant type: single nucleotide variant.
Coding change: c.431C>T on transcript NM_006767.4 (MANE Select); coding-DNA position 431, C replaced by T.
Protein change: p.Ser144Phe; replaces serine 144 with phenylalanine.
Molecular consequence: missense variant.
Genome position (GRCh38, 1-based): chr22:20,988,040, C>T. VCF-style: chr22-20988040-C-T. GRCh37 (hg19) VCF-style: chr22-21342329-C-T.
Other names: short protein forms S144F.
Identifiers: ClinVar variation 4615661 (VCV004615661.1).